The following is an entry in ClinVar:

ClinVar aggregate classification (germline): Uncertain significance. Review status: criteria provided, multiple submitters, no conflicts (2 of 4 stars). 2 submissions from 2 submitters: Uncertain significance (2). Last evaluated 2024-08-01.

Allele frequency attached by ClinVar (database versions not stated): gnomAD 0.00004 and 0.00005; TOPMed 0.00005; ESP Exome Variant Server 0.00015; gnomAD exomes 0.00017; ExAC 0.00021; 1000 Genomes Project 30x 0.00031; 1000 Genomes Project 0.00040.

Submissions (2):

Blueprint Genetics
Classification: Uncertain significance. Last evaluated: 2024-08-01. Review status: criteria provided, single submitter. Criteria: ACMG Guidelines, 2015. Collection method: clinical testing. Allele origin: germline.

Labcorp Genetics (formerly Invitae), Labcorp
Classification: Uncertain significance. Last evaluated: 2022-08-07. Review status: criteria provided, single submitter. Criteria: Invitae Variant Classification Sherloc (09022015). Collection method: clinical testing. Allele origin: germline.
Comment: This sequence change replaces arginine, which is basic and polar, with glutamine, which is neutral and polar, at codon 27 of the C1QA protein (p.Arg27Gln). This variant is present in population databases (rs41507347, gnomAD 0.09%). This variant has not been reported in the literature in individuals affected with C1QA-related conditions. ClinVar contains an entry for this variant (Variation ID: 1441695). Algorithms developed to predict the effect of missense changes on protein structure and function output the following: SIFT: "Deleterious"; PolyPhen-2: "Benign"; Align-GVGD: "Class C0". The glutamine amino acid residue is found in multiple mammalian species, which suggests that this missense change does not adversely affect protein function. In summary, the available evidence is currently insufficient to determine the role of this variant in disease. Therefore, it has been classified as a Variant of Uncertain Significance.

NM_015991.4(C1QA):c.80G>A (p.Arg27Gln)

Gene: C1QA (complement C1q A chain; plus strand). Cytogenetic location: 1p36.12.
Variant type: single nucleotide variant.
Coding change: c.80G>A on transcript NM_015991.4 (MANE Select); coding-DNA position 80, G replaced by A.
Protein change: p.Arg27Gln; replaces arginine 27 with glutamine.
Molecular consequence: missense variant.
Genome position (GRCh38, 1-based): chr1:22,637,696, G>A. VCF-style: chr1-22637696-G-A. GRCh37 (hg19) VCF-style: chr1-22964189-G-A.
Other names: c.80G>A, p.Arg27Gln (NM_001347465.2, NM_001347466.2); short protein forms R27Q.
Identifiers: ClinVar variation 1441695 (VCV001441695.4), dbSNP rs41507347, ClinGen allele CA677711.
Genomic context (GRCh38, chr1:22,637,696, plus strand): 5'-GGCTGGTGCTCTGTGTGCTGGCCATATCGCTGGCCTCTATGGTGACCGAGGACTTGTGCC[G>A]AGCACCAGACGGGAAGAAAGGGGAGGCAGGAAGACCTGGCAGACGGGGGCGGCCAGGCCT-3'
Protein context (NP_057075.1, residues 17-37): LASMVTEDLC[Arg27Gln]APDGKKGEAG